The following is an entry in ClinVar:

NM_001849.4(COL6A2):c.1817-3dup

Gene: COL6A2 (collagen type VI alpha 2 chain; plus strand). Cytogenetic location: 21q22.3.
Variant type: Duplication.
Coding change: c.1817-3dup on transcript NM_001849.4 (MANE Select); 3 bases into the intron before coding-DNA position 1817, one base duplicated (C; older notation c.1817-3dupC).
Molecular consequence: intron variant.
Genome position (GRCh38, 1-based): chr21:46,125,462, C duplicated; the last of 7 consecutive C bases (chr21:46,125,456-46,125,462); duplicating any one gives the same sequence. VCF-style (leftmost placement, unchanged base first): chr21-46125455-A-AC. GRCh37 (hg19) VCF-style: chr21-47545369-A-AC.
Other names: p.?; c.1817-10_1817-9insC (NM_001849.3); c.1817-3dup (NM_058175.3, NM_058174.3); c.1817-3dupC (NM_001849.3).
Identifiers: ClinVar variation 93925 (VCV000093925.24), dbSNP rs149954350, ClinGen allele CA147451.

ClinVar aggregate classification (germline): Benign. Review status: criteria provided, multiple submitters, no conflicts (2 of 4 stars). 8 submissions from 8 submitters: Benign (8). Last evaluated 2026-02-03.

Conditions:
Bethlem myopathy 1A. Also called: Bethlem Muscular Dystrophy; MYOPATHY, BENIGN CONGENITAL, WITH CONTRACTURES; Bethlem myopathy 1. Identifiers: Orphanet 610, MedGen CN029274, MONDO:0024530, OMIM 158810.

Submissions (8):

Labcorp Genetics (formerly Invitae), Labcorp
Classification: Benign for Bethlem myopathy 1A. Last evaluated: 2026-02-03. Review status: criteria provided, single submitter. Criteria: Invitae Variant Classification Sherloc (09022015). Collection method: clinical testing. Allele origin: germline.

Blueprint Genetics
Classification: Benign. Last evaluated: 2024-11-28. Review status: criteria provided, single submitter. Criteria: ACMG Guidelines, 2015. Collection method: clinical testing. Allele origin: germline.

Mendelics
Classification: Benign for Bethlem myopathy 1A. Last evaluated: 2019-05-28. Review status: criteria provided, single submitter. Criteria: Mendelics Assertion Criteria 2017. Collection method: clinical testing. Allele origin: unknown.

GeneDx
Classification: Benign. Last evaluated: 2018-05-11. Review status: criteria provided, single submitter. Criteria: GeneDx Variant Classification (06012015). Collection method: clinical testing. Allele origin: germline. Affected: yes.
Comment: This variant is considered likely benign or benign based on one or more of the following criteria: it is a conservative change, it occurs at a poorly conserved position in the protein, it is predicted to be benign by multiple in silico algorithms, and/or has population frequency not consistent with disease.

Mayo Clinic Laboratories, Mayo Clinic
Classification: Benign. Last evaluated: 2017-12-01. Review status: criteria provided, single submitter. Criteria: ACMG Guidelines, 2015. Collection method: clinical testing. Allele origin: germline. Observed: 185 variant alleles.

Laboratory for Molecular Medicine, Mass General Brigham Personalized Medicine
Classification: Benign. Last evaluated: 2016-03-28. Review status: criteria provided, single submitter. Criteria: LMM Criteria. Collection method: clinical testing. Allele origin: germline.
Comment: Variant identified in a genome or exome case(s) and assessed due to predicted null impact of the variant or pathogenic assertions in the literature or databases. Disclaimer: This variant has not undergone full assessment. The following are preliminary notes: High allele frequency.

Eurofins Ntd Llc (ga)
Classification: Benign. Last evaluated: 2012-09-19. Review status: criteria provided, single submitter. Criteria: EGL Classification Definitions. Collection method: clinical testing. Allele origin: germline. Observed: 26 variant alleles, 25 heterozygotes, 1 homozygote.

PreventionGenetics, part of Exact Sciences
Classification: Benign. Review status: criteria provided, single submitter. Criteria: ACMG Guidelines, 2015. Collection method: clinical testing. Allele origin: germline.

Literature cited by the submitters: PubMed 23757202 (cited by Eurofins Ntd Llc (ga)).